The following is an entry in ClinVar:

ClinVar aggregate classification (germline): Likely pathogenic (1 of 4 stars; one submission).

Conditions:
Mucopolysaccharidosis type 1. Also called: Mucopolysaccharidosis Type I; IDUA deficiency; MPS I. Identifiers: Orphanet 579, MedGen C0023786, MONDO:0001586.

gnomAD v4.1: 3 of 1,599,510 alleles (0.00019%); highest among the groups gnomAD compares: Non-Finnish European, 0.000085%; no homozygotes.

Submission:

Labcorp Genetics (formerly Invitae), Labcorp
Classification: Likely pathogenic for Mucopolysaccharidosis type 1. Last evaluated: 2023-11-13. Review status: criteria provided, single submitter. Criteria: Invitae Variant Classification Sherloc (09022015). Collection method: clinical testing. Allele origin: germline.
Comment: This sequence change replaces glycine, which is neutral and non-polar, with alanine, which is neutral and non-polar, at codon 208 of the IDUA protein (p.Gly208Ala). This variant is not present in population databases (gnomAD no frequency). This variant has not been reported in the literature in individuals affected with IDUA-related conditions. ClinVar contains an entry for this variant (Variation ID: 2189408). Advanced modeling of protein sequence and biophysical properties (such as structural, functional, and spatial information, amino acid conservation, physicochemical variation, residue mobility, and thermodynamic stability) has been performed at Invitae for this missense variant, however the output from this modeling did not meet the statistical confidence thresholds required to predict the impact of this variant on IDUA protein function. This variant disrupts the p.Gly208 amino acid residue in IDUA. Other variant(s) that disrupt this residue have been determined to be pathogenic (PMID: 12509712, 29976218). This suggests that this residue is clinically significant, and that variants that disrupt this residue are likely to be disease-causing. In summary, the currently available evidence indicates that the variant is pathogenic, but additional data are needed to prove that conclusively. Therefore, this variant has been classified as Likely Pathogenic.

Literature cited by the submitters: PubMed 12509712; PubMed 29976218.

NM_000203.5(IDUA):c.623G>C (p.Gly208Ala)

Gene: IDUA (alpha-L-iduronidase; plus strand). Cytogenetic location: 4p16.3.
Variant type: single nucleotide variant.
Coding change: c.623G>C on transcript NM_000203.5 (MANE Select); coding-DNA position 623, G replaced by C.
Protein change: p.Gly208Ala; replaces glycine 208 with alanine.
Molecular consequence: missense variant. On other transcripts: non-coding transcript variant (1).
Genome position (GRCh38, 1-based): chr4:1,001,712, G>C. VCF-style: chr4-1001712-G-C. GRCh37 (hg19) VCF-style: chr4-995500-G-C.
Other names: c.227G>C, p.Gly76Ala (NM_001363576.1); short protein forms G76A, G208A.
Identifiers: ClinVar variation 2189408 (VCV002189408.4), dbSNP rs1430681871, ClinGen allele CA355961947.